The following is an entry in ClinVar:

NM_022788.5(P2RY12):c.443T>C (p.Ile148Thr)

Genes: MED12L (mediator complex subunit 12L; plus strand), P2RY12 (purinergic receptor P2Y12; minus strand). Cytogenetic location: 3q25.1.
Variant type: single nucleotide variant.
Coding change: c.443T>C on transcript NM_022788.5 (MANE Select); coding-DNA position 443, T replaced by C.
Protein change: p.Ile148Thr; replaces isoleucine 148 with threonine.
Molecular consequence: missense variant. On other transcripts: intron variant (2).
Genome position (GRCh38, 1-based): chr3:151,338,403, A>G on the plus strand (T>C on the coding strand, the complement: P2RY12 is on the minus strand). VCF-style: chr3-151338403-A-G. GRCh37 (hg19) VCF-style: chr3-151056191-A-G.
Other names: c.443T>C, p.Ile148Thr (NM_176876.3); c.2251-11656A>G (NM_001393769.1); c.2146-11656A>G (NM_053002.6); c.443T>C (NM_022788.3); short protein forms I148T.
Identifiers: ClinVar variation 3705227 (VCV003705227.3).

ClinVar aggregate classification (germline): Uncertain significance. Review status: criteria provided, multiple submitters, no conflicts (2 of 4 stars). 2 submissions from 2 submitters: Uncertain significance (2). Last evaluated 2025-06-24.

gnomAD v4.1: 17 of 1,614,032 alleles (0.0011%); highest among the groups gnomAD compares: Non-Finnish European, 0.0014%; no homozygotes.

Submissions (2):

Ambry Genetics
Classification: Uncertain significance. Last evaluated: 2025-06-24. Review status: criteria provided, single submitter. Criteria: Ambry Variant Classification Scheme 2023. Collection method: clinical testing. Allele origin: germline.

Labcorp Genetics (formerly Invitae), Labcorp
Classification: Uncertain significance. Last evaluated: 2024-11-12. Review status: criteria provided, single submitter. Criteria: Invitae Variant Classification Sherloc (09022015). Collection method: clinical testing. Allele origin: germline.
Comment: This sequence change replaces isoleucine, which is neutral and non-polar, with threonine, which is neutral and polar, at codon 148 of the P2RY12 protein (p.Ile148Thr). This variant is present in population databases (no rsID available, gnomAD 0.004%). This variant has not been reported in the literature in individuals affected with P2RY12-related conditions. An algorithm developed to predict the effect of missense changes on protein structure and function (PolyPhen-2) suggests that this variant is likely to be disruptive. In summary, the available evidence is currently insufficient to determine the role of this variant in disease. Therefore, it has been classified as a Variant of Uncertain Significance.